The following is an entry in ClinVar:

ClinVar aggregate classification (germline): Uncertain significance (1 of 4 stars; one submission).

Conditions:
Autosomal recessive limb-girdle muscular dystrophy type 2E (LGMDR4). Also called: MUSCULAR DYSTROPHY, LIMB-GIRDLE, AUTOSOMAL RECESSIVE 4. Identifiers: Orphanet 119, MedGen C1858593, MONDO:0011423, OMIM 604286. Disease mechanism: Affects gamma-sarcoglycan and also disrupts the integrity of the entire sarcoglycan complex..

Submission:

Labcorp Genetics (formerly Invitae), Labcorp
Classification: Uncertain significance for Autosomal recessive limb-girdle muscular dystrophy type 2E. Last evaluated: 2022-08-30. Review status: criteria provided, single submitter. Criteria: Invitae Variant Classification Sherloc (09022015). Collection method: clinical testing. Allele origin: germline.
Comment: This sequence change falls in intron 1 of the SGCB gene. It does not directly change the encoded amino acid sequence of the SGCB protein. It affects a nucleotide within the consensus splice site. This variant is not present in population databases (gnomAD no frequency). This variant has not been reported in the literature in individuals affected with SGCB-related conditions. Variants that disrupt the consensus splice site are a relatively common cause of aberrant splicing (PMID: 17576681, 9536098). Algorithms developed to predict the effect of sequence changes on RNA splicing suggest that this variant is not likely to affect RNA splicing. In summary, the available evidence is currently insufficient to determine the role of this variant in disease. Therefore, it has been classified as a Variant of Uncertain Significance.

Literature cited by the submitters: PubMed 17576681; PubMed 9536098.

NM_000232.5(SGCB):c.33+3C>G

Genes: SGCB (sarcoglycan beta; minus strand), LOC129992585 (ATAC-STARR-seq lymphoblastoid silent region 15421; plus strand). Cytogenetic location: 4q12.
Variant type: single nucleotide variant.
Coding change: c.33+3C>G on transcript NM_000232.5 (MANE Select); 3 bases into the intron after coding-DNA position 33, C replaced by G.
Molecular consequence: intron variant.
Genome position (GRCh38, 1-based): chr4:52,038,224, G>C on the plus strand (C>G on the coding strand, the complement: SGCB is on the minus strand). VCF-style: chr4-52038224-G-C. GRCh37 (hg19) VCF-style: chr4-52904390-G-C.
Identifiers: ClinVar variation 1987578 (VCV001987578.1), dbSNP rs1478234957, ClinGen allele CA2580071064.